The following is an entry in ClinVar:

ClinVar aggregate classification (germline): Conflicting classifications of pathogenicity. Review status: criteria provided, conflicting classifications (1 of 4 stars). 9 submissions from 9 submitters: Uncertain significance (2); Benign (2); Likely benign (4). 1 of the submissions does not count toward it. Last evaluated 2026-07-01.

Conditions:
NEXMIF-related disorder. Also called: NEXMIF-related condition.
X-linked intellectual disability, Cantagrel type (XLID98). Also called: INTELLECTUAL DEVELOPMENTAL DISORDER, X-LINKED 98. Identifiers: Orphanet 85277, MedGen C3806730, MONDO:0010483, OMIM 300912.

Allele frequency attached by ClinVar (database versions not stated): gnomAD exomes 0.00014 and 0.00015; TOPMed 0.00015; gnomAD 0.00016 and 0.00017; ExAC 0.00026.
gnomAD v4.1: 165 of 1,209,252 alleles (0.014%); highest among the groups gnomAD compares: Middle Eastern, 0.023%; no homozygotes.

Submissions (9):

CeGaT Center for Human Genetics Tuebingen
Classification: Likely benign. Last evaluated: 2026-07-01. Review status: criteria provided, single submitter. Criteria: CeGaT Center For Human Genetics Tuebingen Variant Classification Criteria Version 2. Collection method: clinical testing. Allele origin: germline. Affected: yes. Observed: 6 variant alleles.
Comment: NEXMIF: BP4, BS2

Labcorp Genetics (formerly Invitae), Labcorp
Classification: Benign. Last evaluated: 2025-09-26. Review status: criteria provided, single submitter. Criteria: Invitae Variant Classification Sherloc (09022015). Collection method: clinical testing. Allele origin: germline.

Laboratory of Genetics, Children's Clinical University Hospital Latvia
Classification: Likely benign. Last evaluated: 2025-02-16. Review status: criteria provided, single submitter. Criteria: ACMG Guidelines, 2015. Collection method: clinical testing. Allele origin: germline. Affected: yes.

Blueprint Genetics
Classification: Likely benign. Last evaluated: 2024-10-02. Review status: criteria provided, single submitter. Criteria: ACMG Guidelines, 2015. Collection method: clinical testing. Allele origin: germline.

Ambry Genetics
Classification: Likely benign. Last evaluated: 2023-05-18. Review status: criteria provided, single submitter. Criteria: Ambry Variant Classification Scheme 2023. Collection method: clinical testing. Allele origin: germline.

New York Genome Center
Classification: Uncertain significance for X-linked intellectual disability, Cantagrel type. Last evaluated: 2021-04-02. Review status: criteria provided, single submitter. Criteria: NYGC Assertion Criteria 2020. Collection method: clinical testing. Allele origin: inherited. Observed: 1 hemizygote. Study: CSER-NYCKidSeq.

Center for Genomics, Ann and Robert H. Lurie Children's Hospital of Chicago
Classification: Uncertain significance for X-linked intellectual disability, Cantagrel type. Last evaluated: 2021-03-30. Review status: criteria provided, single submitter. Criteria: ACMG Guidelines, 2015. Collection method: clinical testing. Allele origin: germline.
Comment: KIAA2022 NM_001008537.2 exon 3 p.Asp1350Asn (c.4048G>A): This variant has not been reported in the literature but is present in 27/89892 European alleles, including 11 hemizygotes in the Genome Aggregation Database. Evolutionary conservation and computational predictive tools suggest that this variant may not impact the protein. In summary, data on this variant is insufficient for disease classification. Therefore, the clinical significance of this variant is uncertain.

GeneDx
Classification: Benign. Last evaluated: 2019-08-21. Review status: criteria provided, single submitter. Criteria: GeneDx Variant Classification Process June 2021. Collection method: clinical testing. Allele origin: germline. Affected: yes.

PreventionGenetics, part of Exact Sciences
Classification: Likely benign for NEXMIF-related condition. Last evaluated: 2023-12-04. Review status: no assertion criteria provided. Collection method: clinical testing. Allele origin: germline. Not counted in ClinVar's aggregate classification.
Comment: This variant is classified as likely benign based on ACMG/AMP sequence variant interpretation guidelines (Richards et al. 2015 PMID: 25741868, with internal and published modifications).

NM_001008537.3(NEXMIF):c.4048G>A (p.Asp1350Asn)

Gene: NEXMIF (neurite extension and migration factor; minus strand). Cytogenetic location: Xq13.3.
Variant type: single nucleotide variant.
Coding change: c.4048G>A on transcript NM_001008537.3 (MANE Select); coding-DNA position 4048, G replaced by A.
Protein change: p.Asp1350Asn; replaces aspartic acid 1350 with asparagine.
Molecular consequence: missense variant.
Genome position (GRCh38, 1-based): chrX:74,740,509, C>T on the plus strand (G>A on the coding strand, the complement: NEXMIF is on the minus strand). VCF-style: chrX-74740509-C-T. GRCh37 (hg19) VCF-style: chrX-73960344-C-T.
Other names: short protein forms D1350N.
Identifiers: ClinVar variation 625966 (VCV000625966.44), dbSNP rs200982385, ClinGen allele CA10454883.